The following is an entry in ClinVar:

ClinVar aggregate classification (germline): Uncertain significance (1 of 4 stars; one submission).

Conditions:
Porokeratosis 3, disseminated superficial actinic type (POROK3). Also called: POROKERATOSIS, DISSEMINATED SUPERFICIAL ACTINIC, 1; POROKERATOSIS 3, MULTIPLE TYPES; POROKERATOSIS 3, MIBELLI TYPE. Identifiers: MedGen C1867981, MONDO:0008293, OMIM 175900.
Mevalonic aciduria (MEVA). Identifiers: Orphanet 29, MedGen C1959626, MONDO:0012481, OMIM 610377.
Hyperimmunoglobulin D with periodic fever (HIDS). Also called: Hyperimmunoglobulinemia D; Hyperimmunoglobulinemia D with periodic fever; HYPERIMMUNOGLOBULINEMIA D AND PERIODIC FEVER SYNDROME. Identifiers: Orphanet 343, MedGen C0398691, MONDO:0009849, OMIM 260920.

Allele frequency attached by ClinVar (database versions not stated): gnomAD exomes below 0.00001.

Submission:

Labcorp Genetics (formerly Invitae), Labcorp
Classification: Uncertain significance for Mevalonic aciduria; Hyperimmunoglobulin D with periodic fever; Porokeratosis 3, disseminated superficial actinic type. Last evaluated: 2024-02-23. Review status: criteria provided, single submitter. Criteria: Invitae Variant Classification Sherloc (09022015). Collection method: clinical testing. Allele origin: germline.
Comment: This sequence change replaces serine, which is neutral and polar, with leucine, which is neutral and non-polar, at codon 381 of the MVK protein (p.Ser381Leu). This variant is not present in population databases (gnomAD no frequency). This variant has not been reported in the literature in individuals affected with MVK-related conditions. ClinVar contains an entry for this variant (Variation ID: 2101019). Advanced modeling of protein sequence and biophysical properties (such as structural, functional, and spatial information, amino acid conservation, physicochemical variation, residue mobility, and thermodynamic stability) performed at Invitae indicates that this missense variant is not expected to disrupt MVK protein function with a negative predictive value of 95%. In summary, the available evidence is currently insufficient to determine the role of this variant in disease. Therefore, it has been classified as a Variant of Uncertain Significance.

NM_000431.4(MVK):c.1142C>T (p.Ser381Leu)

Gene: MVK (mevalonate kinase; plus strand). Cytogenetic location: 12q24.11.
Variant type: single nucleotide variant.
Coding change: c.1142C>T on transcript NM_000431.4 (MANE Select); coding-DNA position 1142, C replaced by T.
Protein change: p.Ser381Leu; replaces serine 381 with leucine.
Molecular consequence: missense variant.
Genome position (GRCh38, 1-based): chr12:109,596,528, C>T. VCF-style: chr12-109596528-C-T. GRCh37 (hg19) VCF-style: chr12-110034333-C-T.
Other names: c.1142C>T, p.Ser381Leu (NM_001114185.3, NM_001414511.1); c.986C>T, p.Ser329Leu (NM_001301182.2); c.1217C>T, p.Ser406Leu (NM_001414512.1); c.*61C>T (NM_001414513.1, NM_001414514.1); c.560C>T, p.Ser187Leu (NM_001414515.1); short protein forms S381L, S187L, S406L, S329L.
Identifiers: ClinVar variation 2101019 (VCV002101019.4), dbSNP rs2548643005, ClinGen allele CA386651426.